The following is an entry in ClinVar:

ClinVar aggregate classification (germline): Pathogenic (1 of 4 stars; one submission).

Submission:

Quest Diagnostics Nichols Institute San Juan Capistrano
Classification: Pathogenic. Last evaluated: 2023-10-10. Review status: criteria provided, single submitter. Criteria: ACMG/ClinGen CNV Guidelines, 2019. Collection method: clinical testing. Allele origin: unknown.
Comment: Deletions of distal 10q are associated with various phenotypes (Iourov 2014, Lacaria 2017, Plaisancie 2014, Laudrier 2016, Tanteles 2015). The current deletion overlaps regions that have been associated with features of 10q26 deletion syndrome (Choucair 2015, Lin 2016). There are no similar copy number losses of this region in the general populations of the Database of Genomic Variants. Thus, based on gene count and current medical literature, this CNV is classified as pathogenic. References: Choucair et al., Am J Med Genet A. 2015 Nov;167A(11):2707-13. PMID: 26114870; Iourov et al., Case Rep Genet. 2014;2014:505832. PMID: 24649379; Lacaria et al., Am J Med Genet A. 2017 Jun;173(6):1611-1619. PMID: 28432728; Laudier et al., Am J Med Genet A. 2016 Jul;170(7):1806-12. PMID: 27113058; Lin et al., Mol Med Rep. 2016 Dec;14(6):5134-5140. PMID: 27779662; Plaisancie et al., Eur J Med Genet. 2014 Jan;57(1):47-53. PMID: 24275544; Tanteles et al., Case Rep Genet. 2015;2015:242891. PMID: 26294985

GRCh37/hg19 10q26.2-26.3(chr10:128925940-135427143)x1

Genes: ADAM8 (ADAM metallopeptidase domain 8; minus strand), ADGRA1 (adhesion G protein-coupled receptor A1; plus strand), BNIP3 (BCL2 interacting protein 3; minus strand), CALY (calcyon neuron specific vesicular protein; minus strand), CFAP46 (cilia and flagella associated protein 46; minus strand) and 35 more. Cytogenetic location: 10q26.2-26.3.
Variant type: copy number loss.
Change: copy number 1 (one copy instead of two) of chr10:128,925,940-135,427,143 (6.50 Mb, GRCh37 coordinates, 1-based), cytogenetic band 10q26.2-26.3.
Identifiers: ClinVar variation 2685391 (VCV002685391.1).